The following is an entry in ClinVar:

ClinVar aggregate classification (germline): Uncertain significance (1 of 4 stars; one submission).

Submission:

Ambry Genetics
Classification: Uncertain significance. Last evaluated: 2024-01-19. Review status: criteria provided, single submitter. Criteria: Ambry Variant Classification Scheme 2023. Collection method: clinical testing. Allele origin: germline.
Comment: The p.N998H variant (also known as c.2992A>C), located in coding exon 26 of the PRKDC gene, results from an A to C substitution at nucleotide position 2992. The asparagine at codon 998 is replaced by histidine, an amino acid with similar properties. This amino acid position is conserved. In addition, the in silico prediction for this alteration is inconclusive. Based on the available evidence, the clinical significance of this alteration remains unclear.

NM_006904.7(PRKDC):c.2992A>C (p.Asn998His)

Gene: PRKDC (protein kinase, DNA-activated, catalytic subunit; minus strand). Cytogenetic location: 8q11.21.
Variant type: single nucleotide variant.
Coding change: c.2992A>C on transcript NM_006904.7 (MANE Select); coding-DNA position 2992, A replaced by C.
Protein change: p.Asn998His; replaces asparagine 998 with histidine.
Molecular consequence: missense variant.
Genome position (GRCh38, 1-based): chr8:47,904,919, T>G on the plus strand (A>C on the coding strand, the complement: PRKDC is on the minus strand). VCF-style: chr8-47904919-T-G. GRCh37 (hg19) VCF-style: chr8-48817479-T-G.
Other names: c.2992A>C, p.Asn998His (NM_001081640.2); short protein forms N998H.
Identifiers: ClinVar variation 3225819 (VCV003225819.1), dbSNP rs2551875892, ClinGen allele CA371157405.